The following is an entry in ClinVar:

NM_001267550.2(TTN):c.49497_49499dup (p.Cys16500Ter)

Genes: TTN (titin; minus strand), TTN-AS1 (TTN antisense RNA 1; plus strand). Cytogenetic location: 2q31.2.
Variant type: Duplication.
Coding change: c.49497_49499dup on transcript NM_001267550.2 (MANE Select); coding-DNA positions 49497 to 49499, 3 bases duplicated (ATG; older notation c.49497_49499dupATG).
Protein change: p.Cys16500Ter; replaces cysteine 16500 with a stop codon.
Molecular consequence: nonsense.
Genome position (GRCh38, 1-based): chr2:178,613,784-178,613,786, CAT duplicated on the plus strand (ATG on the coding strand, the reverse complement: TTN is on the minus strand); duplicating any 3 consecutive bases within chr2:178,613,784-178,613,787 gives the same sequence; the c. name uses the placement nearest the transcript's 3' end. VCF-style (leftmost placement, unchanged base first): chr2-178613783-G-GCAT. GRCh37 (hg19) VCF-style: chr2-179478510-G-GCAT.
Other names: c.44574_44576dup, p.Cys14859Ter (NM_001256850.1); c.22302_22304dup, p.Cys7435Ter (NM_003319.4); c.41793_41795dup, p.Cys13932Ter (NM_133378.4); c.22677_22679dup, p.Cys7560Ter (NM_133432.3); c.22878_22880dup, p.Cys7627Ter (NM_133437.4); c.22302_22304dupATG (NM_003319.4); short protein forms C7560*, C13932*, C7435*, C14859*, C16500*, C7627*.
Identifiers: ClinVar variation 4193794 (VCV004193794.1).

ClinVar aggregate classification (germline): Likely pathogenic (1 of 4 stars; one submission).

Conditions:
Cardiovascular phenotype. Identifiers: MedGen CN230736.

Submission:

Ambry Genetics
Classification: Likely pathogenic for Cardiovascular phenotype. Last evaluated: 2025-09-12. Review status: criteria provided, single submitter. Criteria: Ambry Variant Classification Scheme 2023. Collection method: clinical testing. Allele origin: germline.
Comment: The c.22302_22304dupATG variant (also known as p.C7435*), located in coding exon 90 of the TTN gene, results from an in-frame duplication of ATG at nucleotide positions 22302 to 22304. This results in the duplication of an extra residue between codons 7435 and 7436. This exon is located in the A-band region of the N2-B isoform of the titin protein and is constitutively expressed in TTN transcripts (percent spliced in or PSI 100%). This variant is expected to result in loss of function by premature protein truncation or nonsense-mediated mRNA decay. While truncating variants in TTN are present in 1-3% of the general population, truncating variants in the A-band are the most common cause of dilated cardiomyopathy (Herman DS et al. N. Engl. J. Med., 2012 Feb;366:619-28; Roberts AM et al. Sci Transl Med, 2015 Jan;7:270ra6). TTN truncating variants encoded in constitutive exons (PSI >90%) have been found to be significantly associated with DCM regardless of their position in titin (Schafer S et al. Nat. Genet., 2017 01;49:46-53; Akhtar MM et al. Circ Heart Fail, 2020 Oct;13:e006832; Massier M et al. Clin Genet, 2025 Jan). This variant is considered to be rare based on population cohorts in the Genome Aggregation Database (gnomAD). Based on the majority of available evidence to date, this variant is likely to be pathogenic.